The following is an entry in ClinVar:

ClinVar aggregate classification (germline): Benign (1 of 4 stars; one submission).

Allele frequency attached by ClinVar (database versions not stated): gnomAD 0.15261 and 0.15494; TOPMed 0.15363; 1000 Genomes Project 30x 0.19379; 1000 Genomes Project 0.19529.
gnomAD v4.1: 23,589 of 152,178 alleles (16%); highest among the groups gnomAD compares: East Asian, 36%; 1,974 homozygotes.

Submission:

GeneDx
Classification: Benign. Last evaluated: 2018-06-14. Review status: criteria provided, single submitter. Criteria: GeneDx Variant Classification (06012015). Collection method: clinical testing. Allele origin: germline. Affected: yes.
Comment: This variant is considered likely benign or benign based on one or more of the following criteria: it is a conservative change, it occurs at a poorly conserved position in the protein, it is predicted to be benign by multiple in silico algorithms, and/or has population frequency not consistent with disease.

NM_182961.4(SYNE1):c.6230+226G>A

Gene: SYNE1 (spectrin repeat containing nuclear envelope protein 1; minus strand). Cytogenetic location: 6q25.2.
Variant type: single nucleotide variant.
Coding change: c.6230+226G>A on transcript NM_182961.4 (MANE Select); 226 bases into the intron after coding-DNA position 6230, G replaced by A.
Molecular consequence: intron variant.
Genome position (GRCh38, 1-based): chr6:152,413,126, C>T on the plus strand (G>A on the coding strand, the complement: SYNE1 is on the minus strand). VCF-style: chr6-152413126-C-T. GRCh37 (hg19) VCF-style: chr6-152734261-C-T.
Other names: c.6251+226G>A (NM_033071.5).
Identifiers: ClinVar variation 670645 (VCV000670645.1), dbSNP rs62426459, ClinGen allele CA12338507.